The following is an entry in ClinVar:

NM_000141.5(FGFR2):c.625-10A>G

Gene: FGFR2 (fibroblast growth factor receptor 2; minus strand). Cytogenetic location: 10q26.13.
Variant type: single nucleotide variant.
Coding change: c.625-10A>G on transcript NM_000141.5 (MANE Select); 10 bases into the intron before coding-DNA position 625, A replaced by G.
Molecular consequence: intron variant.
Genome position (GRCh38, 1-based): chr10:121,538,725, T>C on the plus strand (A>G on the coding strand, the complement: FGFR2 is on the minus strand). VCF-style: chr10-121538725-T-C. GRCh37 (hg19) VCF-style: chr10-123298239-T-C.
Other names: c.625-10A>G (NM_001144914.1, NM_001144917.2, NM_001320658.2 and 3 more transcripts); c.280-10A>G (NM_001144918.2, NM_001441091.1, NM_001441090.1 and 1 more transcripts); c.358-10A>G (NM_001441089.1, NM_023029.3, NM_001441088.1 and 2 more transcripts).
Identifiers: ClinVar variation 299007 (VCV000299007.18), dbSNP rs201512833, ClinGen allele CA5721075.

ClinVar aggregate classification (germline): Conflicting classifications of pathogenicity. Review status: criteria provided, conflicting classifications (1 of 4 stars). 9 submissions from 5 submitters: Uncertain significance (1); Benign (1); Likely benign (6). 1 of the submissions does not count toward it. Last evaluated 2025-06-29.

Conditions:
FGFR2-related craniosynostosis. Identifiers: MedGen CN231480.
FGFR2-related disorder. Identifiers: MedGen CN380096.
Beare-Stevenson cutis gyrata syndrome (BSTVS). Identifiers: Orphanet 1555, MedGen C1852406, MONDO:0007412, OMIM 123790.
Craniosynostosis syndrome. Also called: Craniosynostosis. Identifiers: Orphanet 1531, MedGen C0010278, MeSH D003398, MONDO:0015469, HP:0001363.
Crouzon syndrome. Also called: CRANIOFACIAL DYSOSTOSIS, TYPE I; Craniofacial dysostosis; Craniofacial dysostosis type 1; Crouzon craniofacial dysostosis; Crouzon disease. Identifiers: Orphanet 207, MedGen C0010273, MeSH D003394, MONDO:0007405, OMIM 123500, HP:0004439.
Isolated Coronal Synostosis. Identifiers: MedGen CN043619.
Saethre-Chotzen syndrome (SCS). Also called: ACROCEPHALY, SKULL ASYMMETRY, AND MILD SYNDACTYLY; ACS III; CHOTZEN SYNDROME. Identifiers: Orphanet 794, MedGen C0175699, MONDO:0007042, OMIM 101400.

Allele frequency attached by ClinVar (database versions not stated): gnomAD 0.00011 and 0.00013; ExAC 0.00012; 1000 Genomes Project 30x 0.00016; gnomAD exomes 0.00016 and 0.00023; TOPMed 0.00016; 1000 Genomes Project 0.00020; ESP Exome Variant Server 0.00023.
gnomAD v4.1: 346 of 1,614,140 alleles (0.021%); highest among the groups gnomAD compares: Middle Eastern, 0.033%; no homozygotes.

Submissions (9):

Labcorp Genetics (formerly Invitae), Labcorp
Classification: Likely benign for FGFR2-related craniosynostosis. Last evaluated: 2025-06-29. Review status: criteria provided, single submitter. Criteria: Invitae Variant Classification Sherloc (09022015). Collection method: clinical testing. Allele origin: germline.

Blueprint Genetics
Classification: Likely benign. Last evaluated: 2024-11-26. Review status: criteria provided, single submitter. Criteria: ACMG Guidelines, 2015. Collection method: clinical testing. Allele origin: germline.

Genetic Services Laboratory, University of Chicago
Classification: Likely benign. Last evaluated: 2021-12-02. Review status: criteria provided, single submitter. Criteria: ACMG Guidelines, 2015. Collection method: clinical testing. Allele origin: germline. Affected: no.

Illumina Laboratory Services, Illumina
Classification: Likely benign for Saethre-Chotzen syndrome. Last evaluated: 2018-01-13. Review status: criteria provided, single submitter. Criteria: ICSL Variant Classification Criteria 13 December 2019. Collection method: clinical testing. Allele origin: germline.
Comment: This variant was observed in the ICSL laboratory as part of a predisposition screen in an ostensibly healthy population. It had not been previously curated by ICSL or reported in the Human Gene Mutation Database (HGMD: prior to June 1st, 2018), and was therefore a candidate for classification through an automated scoring system. Utilizing variant allele frequency, disease prevalence and penetrance estimates, and inheritance mode, an automated score was calculated to assess if this variant is too frequent to cause the disease. Based on the score and internal cut-off values, a variant classified as likely benign is not then subjected to further curation. The score for this variant resulted in a classification of likely benign for this disease.

Illumina Laboratory Services, Illumina
Classification: Benign for Beare-Stevenson cutis gyrata syndrome. Last evaluated: 2018-01-13. Review status: criteria provided, single submitter. Criteria: ICSL Variant Classification Criteria 13 December 2019. Collection method: clinical testing. Allele origin: germline.
Comment: This variant was observed in the ICSL laboratory as part of a predisposition screen in an ostensibly healthy population. It had not been previously curated by ICSL or reported in the Human Gene Mutation Database (HGMD: prior to June 1st, 2018), and was therefore a candidate for classification through an automated scoring system. Utilizing variant allele frequency, disease prevalence and penetrance estimates, and inheritance mode, an automated score was calculated to assess if this variant is too frequent to cause the disease. Based on the score and internal cut-off values, a variant classified as benign is not then subjected to further curation. The score for this variant resulted in a classification of benign for this disease.

Illumina Laboratory Services, Illumina
Classification: Likely benign for Craniosynostosis. Last evaluated: 2018-01-13. Review status: criteria provided, single submitter. Criteria: ICSL Variant Classification Criteria 13 December 2019. Collection method: clinical testing. Allele origin: germline.
Comment: the same text as in the submission from Illumina Laboratory Services, Illumina above.

Illumina Laboratory Services, Illumina
Classification: Uncertain significance for Isolated coronal synostosis. Last evaluated: 2018-01-13. Review status: criteria provided, single submitter. Criteria: ICSL Variant Classification Criteria 13 December 2019. Collection method: clinical testing. Allele origin: germline.

Illumina Laboratory Services, Illumina
Classification: Likely benign for Crouzon syndrome. Last evaluated: 2018-01-13. Review status: criteria provided, single submitter. Criteria: ICSL Variant Classification Criteria 13 December 2019. Collection method: clinical testing. Allele origin: germline.
Comment: the same text as in the submission from Illumina Laboratory Services, Illumina above.

PreventionGenetics, part of Exact Sciences
Classification: Likely benign for FGFR2-related condition. Last evaluated: 2019-05-01. Review status: no assertion criteria provided. Collection method: clinical testing. Allele origin: germline. Not counted in ClinVar's aggregate classification.
Comment: This variant is classified as likely benign based on ACMG/AMP sequence variant interpretation guidelines (Richards et al. 2015 PMID: 25741868, with internal and published modifications).